The following is an entry in ClinVar:

ClinVar aggregate classification (germline): Benign/Likely benign. Review status: criteria provided, multiple submitters, no conflicts (2 of 4 stars). 7 submissions from 7 submitters: Benign (3); Likely benign (4). Last evaluated 2025-11-24.

Conditions:
Neuronal ceroid lipofuscinosis. Also called: Neuronal Ceroid Lipofuscinoses. Identifiers: Orphanet 216, Orphanet 79263, MedGen C0027877, MONDO:0016295. Disease mechanism: loss of function.
Inborn genetic diseases. Identifiers: MedGen C0950123, MeSH D030342.

Allele frequency attached by ClinVar (database versions not stated): gnomAD exomes 0.00064 and 0.00033; ESP Exome Variant Server 0.00077; ExAC 0.00031; TOPMed 0.00039; gnomAD 0.00044 and 0.00051.
gnomAD v4.1: 984 of 1,613,904 alleles (0.061%); highest among the groups gnomAD compares: Non-Finnish European, 0.079%; no homozygotes.

Submissions (7):

Labcorp Genetics (formerly Invitae), Labcorp
Classification: Likely benign for Neuronal ceroid lipofuscinosis. Last evaluated: 2025-11-24. Review status: criteria provided, single submitter. Criteria: Invitae Variant Classification Sherloc (09022015). Collection method: clinical testing. Allele origin: germline.

Women's Health and Genetics/Laboratory Corporation of America, LabCorp
Classification: Benign. Last evaluated: 2025-07-02. Review status: criteria provided, single submitter. Criteria: LabCorp Variant Classification Summary - May 2015. Collection method: clinical testing. Allele origin: germline.

Blueprint Genetics
Classification: Likely benign. Last evaluated: 2024-11-05. Review status: criteria provided, single submitter. Criteria: ACMG Guidelines, 2015. Collection method: clinical testing. Allele origin: germline.

CeGaT Center for Human Genetics Tuebingen
Classification: Likely benign. Last evaluated: 2023-07-01. Review status: criteria provided, single submitter. Criteria: CeGaT Center For Human Genetics Tuebingen Variant Classification Criteria Version 2. Collection method: clinical testing. Allele origin: germline. Affected: yes. Observed: 1 variant allele.
Comment: DNAJC5: BP4, BP7

Athena Diagnostics
Classification: Benign. Last evaluated: 2017-04-17. Review status: criteria provided, single submitter. Criteria: Athena Diagnostics Criteria. Collection method: clinical testing. Allele origin: germline.

Ambry Genetics
Classification: Likely benign for Inborn genetic diseases. Last evaluated: 2016-06-21. Review status: criteria provided, single submitter. Criteria: Ambry Variant Classification Scheme 2023. Collection method: clinical testing. Allele origin: germline.

GeneDx
Classification: Benign. Last evaluated: 2015-09-21. Review status: criteria provided, single submitter. Criteria: GeneDx Variant Classification (06012015). Collection method: clinical testing. Allele origin: germline. Affected: yes.
Comment: This variant is considered likely benign or benign based on one or more of the following criteria: it is a conservative change, it occurs at a poorly conserved position in the protein, it is predicted to be benign by multiple in silico algorithms, and/or has population frequency not consistent with disease.

NM_025219.3(DNAJC5):c.282C>T (p.Asn94=)

Gene: DNAJC5 (DnaJ heat shock protein family (Hsp40) member C5; plus strand). Cytogenetic location: 20q13.33.
Variant type: single nucleotide variant.
Coding change: c.282C>T on transcript NM_025219.3 (MANE Select); coding-DNA position 282, C replaced by T.
Protein change: p.Asn94=; no amino-acid change (asparagine 94 retained).
Molecular consequence: synonymous variant.
Genome position (GRCh38, 1-based): chr20:63,929,486, C>T. VCF-style: chr20-63929486-C-T. GRCh37 (hg19) VCF-style: chr20-62560839-C-T.
Identifiers: ClinVar variation 377781 (VCV000377781.40), dbSNP rs113207069, ClinGen allele CA9969686.